The following is an entry in ClinVar:

NM_001258392.3(CLPB):c.1293dup (p.Asp432fs)

Genes: CLPB (ClpB family mitochondrial disaggregase; minus strand), LOC126861258 (MED14-independent group 3 enhancer GRCh37_chr11:72012242-72013441; plus strand). Cytogenetic location: 11q13.4.
Variant type: Duplication.
Coding change: c.1293dup on transcript NM_001258392.3 (MANE Select); coding-DNA position 1293, one base duplicated (A; older notation c.1293dupA).
Protein change: p.Asp432fs; shifts the reading frame from aspartic acid 432.
Molecular consequence: frameshift variant.
Genome position (GRCh38, 1-based): chr11:72,301,839, T duplicated on the plus strand (A on the coding strand, the reverse complement: CLPB is on the minus strand). VCF-style (leftmost placement, unchanged base first): chr11-72301838-C-CT. GRCh37 (hg19) VCF-style: chr11-72012882-C-CT.
Other names: c.1206dup, p.Asp403fs (NM_001258393.3); c.1248dup, p.Asp417fs (NM_001258394.3); c.1383dup, p.Asp462fs (NM_030813.6); short protein forms D403fs, D417fs, D432fs, D462fs.
Identifiers: ClinVar variation 1074465 (VCV001074465.10), dbSNP rs774722200, ClinGen allele CA6171220.

ClinVar aggregate classification (germline): Pathogenic/Likely pathogenic. Review status: criteria provided, multiple submitters, no conflicts (2 of 4 stars). 2 submissions from 2 submitters: Pathogenic (1); Likely pathogenic (1). Last evaluated 2023-05-25.

Conditions:
3-methylglutaconic aciduria, type VIIB (MGCA7B). Also called: 3-methylglutaconic aciduria, type VII, with cataracts, neurologic involvement and neutropenia; 3-methylglutaconic aciduria with cataracts, neurologic involvement and neutropenia; CLPB Deficiency. Identifiers: Orphanet 445038, MedGen C5676893, MONDO:0014561, OMIM 616271.
CLPB-related disorder. Also called: CLPB-related condition.

Allele frequency attached by ClinVar (database versions not stated): ExAC 0.00001; gnomAD exomes 0.00003; gnomAD 0.00004.

Submissions (2):

Blueprint Genetics
Classification: Likely pathogenic for CLPB-related disorders. Last evaluated: 2023-05-25. Review status: criteria provided, single submitter. Criteria: ACMG Guidelines, 2015. Collection method: clinical testing. Allele origin: germline. Affected: yes. Observed: 4 variant alleles.

Labcorp Genetics (formerly Invitae), Labcorp
Classification: Pathogenic for 3-methylglutaconic aciduria, type VIIB. Last evaluated: 2020-03-31. Review status: criteria provided, single submitter. Criteria: Invitae Variant Classification Sherloc (09022015). Collection method: clinical testing. Allele origin: germline.
Comment: For these reasons, this variant has been classified as Pathogenic. Loss-of-function variants in CLPB are known to be pathogenic (PMID: 25597510, 28687938). This variant has been observed in individual(s) with CLPB deficiency (PMID: 28687938). This variant is present in population databases (rs774722200, ExAC 0.002%). This sequence change creates a premature translational stop signal (p.Asp462Argfs*11) in the CLPB gene. It is expected to result in an absent or disrupted protein product.

Literature cited by the submitters: PubMed 25597510 (cited by Labcorp Genetics (formerly Invitae), Labcorp); PubMed 28687938 (cited by Labcorp Genetics (formerly Invitae), Labcorp).